The following is an entry in ClinVar:

NM_000135.4(FANCA):c.2710C>T (p.Gln904Ter)

Gene: FANCA (FA complementation group A; minus strand). Cytogenetic location: 16q24.3.
Variant type: single nucleotide variant.
Coding change: c.2710C>T on transcript NM_000135.4 (MANE Select); coding-DNA position 2710, C replaced by T.
Protein change: p.Gln904Ter; replaces glutamine 904 with a stop codon.
Molecular consequence: nonsense.
Genome position (GRCh38, 1-based): chr16:89,764,958, G>A on the plus strand (C>T on the coding strand, the complement: FANCA is on the minus strand). VCF-style: chr16-89764958-G-A. GRCh37 (hg19) VCF-style: chr16-89831366-G-A.
Other names: c.2710C>T, p.Gln904Ter (NM_001286167.3); short protein forms Q904*.
Identifiers: ClinVar variation 935751 (VCV000935751.7), dbSNP rs2039076227, ClinGen allele CA397438191.
Genomic context (GRCh38, chr16:89,764,958, plus strand): 5'-CTTCCTCTTTCAACACCTCTCGGAAGGTTCTGTGTGTCCAGAGAGAGAGGGCAGCTCTCT[G>A]CCAGTCTGCAGAAGGAAGGTGCAAGGGTCTCCAGGAAAGGCTGGCTACGTCCTCCTCAGA-3'

ClinVar aggregate classification (germline): Pathogenic (1 of 4 stars; one submission).

Conditions:
Fanconi anemia (FA). Also called: Fanconi's anemia. Identifiers: Orphanet 84, MedGen C0015625, MeSH D005199, MONDO:0019391.

Submission:

Labcorp Genetics (formerly Invitae), Labcorp
Classification: Pathogenic for Fanconi anemia. Last evaluated: 2019-06-17. Review status: criteria provided, single submitter. Criteria: Invitae Variant Classification Sherloc (09022015). Collection method: clinical testing. Allele origin: germline.
Comment: This sequence change creates a premature translational stop signal (p.Gln904*) in the FANCA gene. It is expected to result in an absent or disrupted protein product. This variant is not present in population databases (ExAC no frequency). This variant has not been reported in the literature in individuals with FANCA-related conditions. Algorithms developed to predict the effect of sequence changes on RNA splicing suggest that this variant may create or strengthen a splice site, but this prediction has not been confirmed by published transcriptional studies. Loss-of-function variants in FANCA are known to be pathogenic (PMID: 19367192). For these reasons, this variant has been classified as Pathogenic.

Literature cited by the submitters: PubMed 19367192.